The following is an entry in ClinVar:

ClinVar aggregate classification (germline): Uncertain significance (1 of 4 stars; one submission).

gnomAD v4.1: 1 of 1,614,224 alleles (0.000062%); highest among the groups gnomAD compares: Non-Finnish European, 0.000085%; no homozygotes.

Submission:

Quest Diagnostics Nichols Institute San Juan Capistrano
Classification: Uncertain significance. Last evaluated: 2024-11-15. Review status: criteria provided, single submitter. Criteria: Quest Diagnostics criteria. Collection method: clinical testing. Allele origin: unknown.
Comment: The EGFR c.2372A>G (p.Gln791Arg) variant has been reported in the published literature as a somatic variant in breast cancer tumor tissues (PMID: 15841079 (2005)). This variant has not been reported in large, multi-ethnic general populations (Genome Aggregation Database). Analysis of this variant using bioinformatics tools for the prediction of the effect of amino acid changes on protein structure and function yielded predictions that this variant is damaging. Based on the available information, we are unable to determine the clinical significance of this variant.

Literature cited by the submitters: PubMed 15841079.

NM_005228.5(EGFR):c.2372A>G (p.Gln791Arg)

Genes: EGFR (epidermal growth factor receptor; plus strand), EGFR-AS1 (EGFR antisense RNA 1; minus strand). Cytogenetic location: 7p11.2.
Variant type: single nucleotide variant.
Coding change: c.2372A>G on transcript NM_005228.5 (MANE Select); coding-DNA position 2372, A replaced by G.
Protein change: p.Gln791Arg; replaces glutamine 791 with arginine.
Molecular consequence: missense variant. On other transcripts: non-coding transcript variant (1).
Genome position (GRCh38, 1-based): chr7:55,181,381, A>G. VCF-style: chr7-55181381-A-G. GRCh37 (hg19) VCF-style: chr7-55249074-A-G.
Other names: c.2237A>G, p.Gln746Arg (NM_001346897.2, NM_001346899.2); c.2372A>G, p.Gln791Arg (NM_001346898.2); c.2213A>G, p.Gln738Arg (NM_001346900.2); c.1571A>G, p.Gln524Arg (NM_001346941.2); c.2372A>G (NM_005228.4); short protein forms Q791R, Q524R, Q738R, Q746R.
Identifiers: ClinVar variation 3572245 (VCV003572245.1).